The following is an entry in ClinVar:

ClinVar aggregate classification (germline): Uncertain significance (1 of 4 stars; one submission).

Conditions:
Carney complex, type 1 (CNC1). Also called: CARNEY MYXOMA-ENDOCRINE COMPLEX; CARNEY COMPLEX, TYPE I. Identifiers: Orphanet 1359, MedGen C2607929, MONDO:0008057, OMIM 160980.

Submission:

Labcorp Genetics (formerly Invitae), Labcorp
Classification: Uncertain significance for Carney complex, type 1. Last evaluated: 2017-06-15. Review status: criteria provided, single submitter. Criteria: Invitae Variant Classification Sherloc (09022015). Collection method: clinical testing. Allele origin: germline.
Comment: This sequence change falls in intron 8 of the PRKAR1A gene. It does not directly change the encoded amino acid sequence of the PRKAR1A protein, but it affects a nucleotide within the consensus splice site of the intron. In summary, this variant has uncertain impact on PRKAR1A function. The available evidence is currently insufficient to determine its role in disease. Therefore, it has been classified as a Variant of Uncertain Significance. Nucleotide substitutions within the consensus splice site are relatively common causes of aberrant splicing (PMID: 17576681, 9536098). Algorithms developed to predict the effect of sequence changes on RNA splicing suggest that this variant is not likely to affect RNA splicing, but this prediction has not been confirmed by published transcriptional studies. This variant has not been reported in the literature in individuals with a PRKAR1A-related disease. This variant is not present in population databases (ExAC no frequency).

Literature cited by the submitters: PubMed 17576681; PubMed 9536098.

NM_002734.5(PRKAR1A):c.769+3G>A

Gene: PRKAR1A (protein kinase cAMP-dependent type I regulatory subunit alpha; plus strand). Cytogenetic location: 17q24.2.
Variant type: single nucleotide variant.
Coding change: c.769+3G>A on transcript NM_002734.5 (MANE Select); 3 bases into the intron after coding-DNA position 769, G replaced by A.
Molecular consequence: intron variant.
Genome position (GRCh38, 1-based): chr17:68,527,903, G>A. VCF-style: chr17-68527903-G-A. GRCh37 (hg19) VCF-style: chr17-66524044-G-A.
Other names: c.769+3G>A (NM_001278433.2, NM_001369389.1, NM_212471.3 and 4 more transcripts).
Identifiers: ClinVar variation 469075 (VCV000469075.6), dbSNP rs1555814484, ClinGen allele CA658658706.
Genomic context (GRCh38, chr17:68,527,903, plus strand): 5'-AGCACACTGAGAAAGCGGAAGATGTATGAGGAATTCCTTAGTAAAGTCTCTATTTTAGGT[G>A]AGTTGTAAAGTGTGTTAACTTTGCTAGTATGTGAGATACCCCTGAATTAGAATTGGATGG-3'